The following is an entry in ClinVar:

ClinVar aggregate classification (germline): Uncertain significance (1 of 4 stars; one submission).

Conditions:
Neuromuscular disease. Also called: Neuromuscular disorder; Neuromyopathy. Identifiers: Orphanet 68381, MedGen C0027868, MeSH D009468, MONDO:0019056.

Submission:

Broad Center for Mendelian Genomics, Broad Institute of MIT and Harvard
Classification: Uncertain significance for Neuromuscular disease. Last evaluated: 2024-11-25. Review status: criteria provided, single submitter. Criteria: ACMG Guidelines, 2015. Collection method: curation. Allele origin: germline. Inheritance: Autosomal recessive inheritance. Study: GREGoR Consortium.
Comment: Trio exome analysis revealed that this variant was in trans with the other variant. The variant has not been previously reported in the literature in individuals with neuromuscular disease and was absent from large population studies. Computational prediction tools and conservation analyses do not provide strong support for or against an impact to the protein. The p.Ile66Leu variant is located in a region of GGPS1 that is essential to protein folding and stability, suggesting that this variant is in a functional domain and slightly supports pathogenicity (PMID: 35869884). The phenotype of an individual heterozygous for this variant is highly specific for GGPS1 related muscular dystrophy based on dystrophic muscle histology and ultrastructural evidence of autophagic material and large mitochondria consistent with disease (PMID: 35869884). In summary, while there is some suspicion for a pathogenic role, the clinical significance of this variant is uncertain. ACMG/AMP Criteria applied: PP4, PM1_supporting, PM2_supporting (Richards 2015).

Literature cited by the submitters: PubMed 35869884.

NM_004837.4(GGPS1):c.196A>C (p.Ile66Leu)

Gene: GGPS1 (geranylgeranyl diphosphate synthase 1; plus strand). Cytogenetic location: 1q42.3.
Variant type: single nucleotide variant.
Coding change: c.196A>C on transcript NM_004837.4 (MANE Select); coding-DNA position 196, A replaced by C.
Protein change: p.Ile66Leu; replaces isoleucine 66 with leucine.
Molecular consequence: missense variant.
Genome position (GRCh38, 1-based): chr1:235,342,065, A>C. VCF-style: chr1-235342065-A-C. GRCh37 (hg19) VCF-style: chr1-235505380-A-C.
Other names: NM_004837.4:c.196A>C; c.196A>C, p.Ile66Leu (NM_001037277.1, NM_001371477.1, NM_001371478.1); c.34A>C, p.Ile12Leu (NM_001037278.2); short protein forms I12L, I66L.
Identifiers: ClinVar variation 3383308 (VCV003383308.1).
Genomic context (GRCh38, chr1:235,342,065, plus strand): 5'-TATTAGATTATTATTGAAGTGACAGAAATGTTGCATAATGCCAGTTTACTCATCGATGAT[A>C]TTGAAGACAACTCAAAACTCCGACGTGGCTTTCCAGTGGCCCACAGCATCTATGGAATCC-3'
Protein context (NP_004828.1, residues 56-76): LHNASLLIDD[Ile66Leu]EDNSKLRRGF